The following is an entry in ClinVar:

ClinVar aggregate classification (germline): Uncertain significance (1 of 4 stars; one submission).

Conditions:
Neurofibromatosis, type 1 (NF1). Also called: Neurofibromatosis, type I; Peripheral type neurofibromatosis; NEUROFIBROMATOSIS, TYPE I, SOMATIC; VON RECKLINGHAUSEN DISEASE. Identifiers: Orphanet 636, MedGen C0027831, MONDO:0018975, OMIM 162200. Disease mechanism: loss of function.

Submission:

Labcorp Genetics (formerly Invitae), Labcorp
Classification: Uncertain significance for Neurofibromatosis, type 1. Last evaluated: 2022-05-19. Review status: criteria provided, single submitter. Criteria: Invitae Variant Classification Sherloc (09022015). Collection method: clinical testing. Allele origin: germline.
Comment: Algorithms developed to predict the effect of sequence changes on RNA splicing suggest that this variant may create or strengthen a splice site. This sequence change affects codon 942 of the NF1 mRNA. It is a 'silent' change, meaning that it does not change the encoded amino acid sequence of the NF1 protein. This variant is not present in population databases (gnomAD no frequency). This variant has not been reported in the literature in individuals affected with NF1-related conditions. In summary, the available evidence is currently insufficient to determine the role of this variant in disease. Therefore, it has been classified as a Variant of Uncertain Significance.

NM_001042492.3(NF1):c.2826C>T (p.Ser942=)

Gene: NF1 (neurofibromin 1; plus strand). Cytogenetic location: 17q11.2.
Variant type: single nucleotide variant.
Coding change: c.2826C>T on transcript NM_001042492.3 (MANE Select); coding-DNA position 2826, C replaced by T.
Protein change: p.Ser942=; no amino-acid change (serine 942 retained).
Molecular consequence: synonymous variant.
Genome position (GRCh38, 1-based): chr17:31,229,441, C>T. VCF-style: chr17-31229441-C-T. GRCh37 (hg19) VCF-style: chr17-29556459-C-T.
Other names: c.2826C>T, p.Ser942= (NM_000267.4).
Identifiers: ClinVar variation 1996476 (VCV001996476.4), dbSNP rs2151429785, ClinGen allele CA499229253.